The following is an entry in ClinVar:

NM_012431.3(SEMA3E):c.652G>A (p.Asp218Asn)

Gene: SEMA3E (semaphorin 3E; minus strand). Cytogenetic location: 7q21.11.
Variant type: single nucleotide variant.
Coding change: c.652G>A on transcript NM_012431.3 (MANE Select); coding-DNA position 652, G replaced by A.
Protein change: p.Asp218Asn; replaces aspartic acid 218 with asparagine.
Molecular consequence: missense variant.
Genome position (GRCh38, 1-based): chr7:83,408,386, C>T on the plus strand (G>A on the coding strand, the complement: SEMA3E is on the minus strand). VCF-style: chr7-83408386-C-T. GRCh37 (hg19) VCF-style: chr7-83037702-C-T.
Other names: c.472G>A, p.Asp158Asn (NM_001178129.2); short protein forms D158N, D218N.
Identifiers: ClinVar variation 1320896 (VCV001320896.3), dbSNP rs763424945, ClinGen allele CA4322263.
Genomic context (GRCh38, chr7:83,408,386, plus strand): 5'-TGATTTCAATCCTAATTCACATACTCTTTTCCTCATCCTTACCTTTCAACAGACGCTCAT[C>T]GTCATGCTCAGTGCGGATATGGGCCAGTCGCCCCATGCTGCGGAAGATCGCAGCGTCTCT-3'
Protein context (NP_036563.1, residues 208-228): RLAHIRTEHD[Asp218Asn]ERLLKEPKFV

ClinVar aggregate classification (germline): Uncertain significance. Review status: criteria provided, single submitter (1 of 4 stars). 2 submissions from 2 submitters: Uncertain significance (1). 1 of the submissions does not count toward it. Last evaluated 2020-10-28.

Conditions:
SEMA3E-related disorder. Also called: SEMA3E-related condition.

Allele frequency attached by ClinVar (database versions not stated): gnomAD exomes 0.00001; TOPMed 0.00001; ExAC 0.00002.
gnomAD v4.1: 5 of 1,613,804 alleles (0.00031%); highest among the groups gnomAD compares: Admixed American, 0.0067%; no homozygotes.

Submissions (2):

GeneDx
Classification: Uncertain significance. Last evaluated: 2020-10-28. Review status: criteria provided, single submitter. Criteria: GeneDx Variant Classification Process June 2021. Collection method: clinical testing. Allele origin: germline. Affected: yes.
Comment: In silico analysis supports that this missense variant does not alter protein structure/function; Has not been previously published as pathogenic or benign to our knowledge

PreventionGenetics, part of Exact Sciences
Classification: Uncertain significance for SEMA3E-related condition. Last evaluated: 2024-03-04. Review status: no assertion criteria provided. Collection method: clinical testing. Allele origin: germline. Not counted in ClinVar's aggregate classification.
Comment: The SEMA3E c.652G>A variant is predicted to result in the amino acid substitution p.Asp218Asn. To our knowledge, this variant has not been reported in the literature. This variant is reported in 0.0087% of alleles in individuals of Latino descent in gnomAD. At this time, the clinical significance of this variant is uncertain due to the absence of conclusive functional and genetic evidence.